The following is an entry in ClinVar:

ClinVar aggregate classification (germline): Benign (0 of 4 stars; one submission).

Conditions:
PTPRD-related disorder. Also called: PTPRD-related condition.

Allele frequency attached by ClinVar (database versions not stated): ESP Exome Variant Server 0.12758; ExAC 0.13469; 1000 Genomes Project 30x 0.17630; 1000 Genomes Project 0.17732.
gnomAD v4.1: 183,412 of 1,612,810 alleles (11%); highest among the groups gnomAD compares: East Asian, 23%; 11,479 homozygotes.

Submission:

PreventionGenetics, part of Exact Sciences
Classification: Benign for PTPRD-related condition. Last evaluated: 2019-10-21. Review status: no assertion criteria provided. Collection method: clinical testing. Allele origin: germline.
Comment: This variant is classified as benign based on ACMG/AMP sequence variant interpretation guidelines (Richards et al. 2015 PMID: 25741868, with internal and published modifications).

NM_002839.4(PTPRD):c.996C>T (p.Thr332=)

Gene: PTPRD (protein tyrosine phosphatase receptor type D; minus strand). Cytogenetic location: 9p24.1.
Variant type: single nucleotide variant.
Coding change: c.996C>T on transcript NM_002839.4 (MANE Select); coding-DNA position 996, C replaced by T.
Protein change: p.Thr332=; no amino-acid change (threonine 332 retained).
Molecular consequence: synonymous variant.
Genome position (GRCh38, 1-based): chr9:8,518,395, G>A on the plus strand (C>T on the coding strand, the complement: PTPRD is on the minus strand). VCF-style: chr9-8518395-G-A. GRCh37 (hg19) VCF-style: chr9-8518395-G-A.
Other names: c.987C>T, p.Thr329= (NM_001040712.2, NM_001377947.1); c.966C>T, p.Thr322= (NM_001171025.2); c.978C>T, p.Thr326= (NM_001377946.1, NM_130393.3); c.996C>T, p.Thr332= (NM_001377958.1, NM_001378058.1, NM_130391.4 and 1 more transcripts).
Identifiers: ClinVar variation 3060999 (VCV003060999.2), dbSNP rs3763653, ClinGen allele CA4984599.